The following is an entry in ClinVar:

NM_001352252.2(CARS2):c.-776+230C>T

Genes: CARS2 (cysteinyl-tRNA synthetase 2, mitochondrial; minus strand), LOC130010127 (ATAC-STARR-seq lymphoblastoid silent region 5509; plus strand). Cytogenetic location: 13q34.
Variant type: single nucleotide variant.
Coding change: c.-776+230C>T on transcript NM_001352252.2; 230 bases into the intron after 776 bases upstream of the start codon, C replaced by T.
Molecular consequence: intron variant.
Genome position (GRCh38, 1-based): chr13:110,706,141, G>A on the plus strand (C>T on the coding strand, the complement: CARS2 is on the minus strand). VCF-style: chr13-110706141-G-A. GRCh37 (hg19) VCF-style: chr13-111358488-G-A.
Identifiers: ClinVar variation 377623 (VCV000377623.7), dbSNP rs3818496, ClinGen allele CA7052414.

ClinVar aggregate classification (germline): Benign. Review status: criteria provided, multiple submitters, no conflicts (2 of 4 stars). 3 submissions from 3 submitters: Benign (3). Last evaluated 2021-07-14.

Conditions:
Combined oxidative phosphorylation defect type 27. Also called: Combined oxidative phosphorylation deficiency 27. Identifiers: Orphanet 477774, MedGen C5567608, MONDO:0014728, OMIM 616672.

Allele frequency attached by ClinVar (database versions not stated): 1000 Genomes Project 30x 0.56808; gnomAD 0.59027 and 0.59889; gnomAD exomes 0.73859; 1000 Genomes Project 0.57728; TOPMed 0.58538; ExAC 0.76608.
gnomAD v4.1: 886,522 of 1,246,642 alleles (71%); highest among the groups gnomAD compares: Non-Finnish European, 74%; 322,244 homozygotes.

Submissions (3):

Genome-Nilou Lab
Classification: Benign for Combined oxidative phosphorylation defect type 27. Last evaluated: 2021-07-14. Review status: criteria provided, single submitter. Criteria: ACMG Guidelines, 2015. Collection method: clinical testing. Allele origin: germline. Affected: no.

GeneDx
Classification: Benign. Last evaluated: 2015-12-02. Review status: criteria provided, single submitter. Criteria: GeneDx Variant Classification (06012015). Collection method: clinical testing. Allele origin: germline. Affected: yes.
Comment: This variant is considered likely benign or benign based on one or more of the following criteria: it is a conservative change, it occurs at a poorly conserved position in the protein, it is predicted to be benign by multiple in silico algorithms, and/or has population frequency not consistent with disease.

Breakthrough Genomics
Classification: Benign. Review status: criteria provided, single submitter. Criteria: ACMG Guidelines, 2015. Collection method: not provided. Allele origin: germline. Inheritance: Autosomal recessive inheritance. Affected: yes.